The following is an entry in ClinVar:

NM_014423.4(AFF4):c.819G>A (p.Glu273=)

Gene: AFF4 (ALF transcription elongation factor 4; minus strand). Cytogenetic location: 5q31.1.
Variant type: single nucleotide variant.
Coding change: c.819G>A on transcript NM_014423.4 (MANE Select); coding-DNA position 819, G replaced by A.
Protein change: p.Glu273=; no amino-acid change (glutamic acid 273 retained).
Molecular consequence: synonymous variant.
Genome position (GRCh38, 1-based): chr5:132,934,246, C>T on the plus strand (G>A on the coding strand, the complement: AFF4 is on the minus strand). VCF-style: chr5-132934246-C-T. GRCh37 (hg19) VCF-style: chr5-132269938-C-T.
Identifiers: ClinVar variation 766844 (VCV000766844.38), dbSNP rs141383886, ClinGen allele CA3409372.
Genomic context (GRCh38, chr5:132,934,246, plus strand): 5'-TGCTTTGCTGCTGGGCTTCAGCTCAGTCATGCTGTTGCCATGGGATTGGCTGCTGTAGTG[C>T]TCAGAGGACAGCTTTGGTTCCATGGACTCCTGTCCGTCCATGGGCCGCACATAGGCAGTG-3'
Protein context (NP_055238.1, residues 263-283): QESMEPKLSS[Glu273=]HYSSQSHGNS

ClinVar aggregate classification (germline): Benign/Likely benign. Review status: criteria provided, multiple submitters, no conflicts (2 of 4 stars). 4 submissions from 4 submitters: Benign (3); Likely benign (1). Last evaluated 2026-09-01.

Conditions:
Cognitive impairment - coarse facies - heart defects - obesity - pulmonary involvement - short stature - skeletal dysplasia syndrome. Also called: COGNITIVE IMPAIRMENT, COARSE FACIES, HEART DEFECTS, OBESITY, PULMONARY INVOLVEMENT, SHORT STATURE, AND SKELETAL DYSPLASIA; Chops syndrome; AFF4-Related CHOPS Syndrome. Identifiers: Orphanet 444077, MedGen C4085597, MONDO:0014609, OMIM 616368.

Allele frequency attached by ClinVar (database versions not stated): gnomAD exomes 0.00057 and 0.00138; ExAC 0.00149; gnomAD 0.00450 and 0.00480; ESP Exome Variant Server 0.00477; TOPMed 0.00487; 1000 Genomes Project 0.00499; 1000 Genomes Project 30x 0.00562.
gnomAD v4.1: 1,563 of 1,614,178 alleles (0.097%); highest among the groups gnomAD compares: African/African-American, 1.4%; 8 homozygotes.

Submissions (4):

CeGaT Center for Human Genetics Tuebingen
Classification: Likely benign. Last evaluated: 2026-09-01. Review status: criteria provided, single submitter. Criteria: CeGaT Center For Human Genetics Tuebingen Variant Classification Criteria Version 2. Collection method: clinical testing. Allele origin: germline. Affected: yes. Observed: 4 variant alleles.
Comment: AFF4: BP4, BS1

Labcorp Genetics (formerly Invitae), Labcorp
Classification: Benign for Cognitive impairment - coarse facies - heart defects - obesity - pulmonary involvement - short stature - skeletal dysplasia syndrome. Last evaluated: 2026-01-27. Review status: criteria provided, single submitter. Criteria: Invitae Variant Classification Sherloc (09022015). Collection method: clinical testing. Allele origin: germline.

Genome-Nilou Lab
Classification: Benign for Cognitive impairment - coarse facies - heart defects - obesity - pulmonary involvement - short stature - skeletal dysplasia syndrome. Last evaluated: 2021-12-05. Review status: criteria provided, single submitter. Criteria: ACMG Guidelines, 2015. Collection method: clinical testing. Allele origin: germline. Affected: no.

Genetic Services Laboratory, University of Chicago
Classification: Benign. Last evaluated: 2017-12-26. Review status: criteria provided, single submitter. Criteria: ACMG Guidelines, 2015. Collection method: clinical testing. Allele origin: germline. Affected: no.